The following is an entry in ClinVar:

ClinVar aggregate classification (germline): Uncertain significance (1 of 4 stars; one submission).

gnomAD v4.1: 11 of 1,210,040 alleles (0.00091%); highest among the groups gnomAD compares: South Asian, 0.0053%; no homozygotes.

Submission:

GeneDx
Classification: Uncertain significance. Last evaluated: 2024-05-07. Review status: criteria provided, single submitter. Criteria: GeneDx Variant Classification Process June 2021. Collection method: clinical testing. Allele origin: germline. Affected: yes.
Comment: Not observed at significant frequency in large population cohorts (gnomAD); In silico analysis supports that this missense variant has a deleterious effect on protein structure/function; Has not been previously published as pathogenic or benign to our knowledge

NM_001123385.2(BCOR):c.3812C>T (p.Ser1271Leu)

Gene: BCOR (BCL6 corepressor; minus strand). Cytogenetic location: Xp11.4.
Variant type: single nucleotide variant.
Coding change: c.3812C>T on transcript NM_001123385.2 (MANE Select); coding-DNA position 3812, C replaced by T.
Protein change: p.Ser1271Leu; replaces serine 1271 with leucine.
Molecular consequence: missense variant.
Genome position (GRCh38, 1-based): chrX:40,063,643, G>A on the plus strand (C>T on the coding strand, the complement: BCOR is on the minus strand). VCF-style: chrX-40063643-G-A. GRCh37 (hg19) VCF-style: chrX-39922896-G-A.
Other names: c.3710C>T, p.Ser1237Leu (NM_001123383.2, NM_017745.6); c.3656C>T, p.Ser1219Leu (NM_001123384.2); short protein forms S1219L, S1237L, S1271L.
Identifiers: ClinVar variation 3378076 (VCV003378076.1).
Genomic context (GRCh38, chrX:40,063,643, plus strand): 5'-CACTCAAGGGGTGGCCCCCGCATACCTTGTTCATTGTCACTGGGTTTAAGAGACTCTTCC[G>A]ACCAGCTTCTGTTGCCTTTGGCCTCTGCCCTTTTCCTGCCAGGTTTCTCTTCAGTGATGT-3'
Protein context (NP_001116857.1, residues 1261-1281): RAEAKGNRSW[Ser1271Leu]EESLKPSDNE